The following is an entry in ClinVar:

ClinVar aggregate classification (germline): Likely benign (1 of 4 stars; one submission).

Allele frequency attached by ClinVar (database versions not stated): TOPMed below 0.00001; gnomAD 0.00001; gnomAD exomes below 0.00001.
gnomAD v4.1: 2 of 1,608,502 alleles (0.00012%); highest among the groups gnomAD compares: Non-Finnish European, 0.00017%; no homozygotes.

Submission:

GeneDx
Classification: Likely benign. Last evaluated: 2016-11-04. Review status: criteria provided, single submitter. Criteria: GeneDx Variant Classification (06012015). Collection method: clinical testing. Allele origin: germline. Affected: yes.
Comment: This variant is considered likely benign or benign based on one or more of the following criteria: it is a conservative change, it occurs at a poorly conserved position in the protein, it is predicted to be benign by multiple in silico algorithms, and/or has population frequency not consistent with disease.

NM_004519.4(KCNQ3):c.*9A>G

Gene: KCNQ3 (potassium voltage-gated channel subfamily Q member 3; minus strand). Cytogenetic location: 8q24.22.
Variant type: single nucleotide variant.
Coding change: c.*9A>G on transcript NM_004519.4 (MANE Select); 9 bases downstream of the stop codon, A replaced by G.
Molecular consequence: 3 prime UTR variant.
Genome position (GRCh38, 1-based): chr8:132,129,253, T>C on the plus strand (A>G on the coding strand, the complement: KCNQ3 is on the minus strand). VCF-style: chr8-132129253-T-C. GRCh37 (hg19) VCF-style: chr8-133141500-T-C.
Other names: c.*9A>G (NM_001204824.2).
Identifiers: ClinVar variation 390591 (VCV000390591.1), dbSNP rs1057523827, ClinGen allele CA16605435.